The following is an entry in ClinVar:

NM_001080414.4(CCDC88C):c.601G>A (p.Asp201Asn)

Gene: CCDC88C (coiled-coil domain containing 88C; minus strand). Cytogenetic location: 14q32.11.
Variant type: single nucleotide variant.
Coding change: c.601G>A on transcript NM_001080414.4 (MANE Select); coding-DNA position 601, G replaced by A.
Protein change: p.Asp201Asn; replaces aspartic acid 201 with asparagine.
Molecular consequence: missense variant.
Genome position (GRCh38, 1-based): chr14:91,339,907, C>T on the plus strand (G>A on the coding strand, the complement: CCDC88C is on the minus strand). VCF-style: chr14-91339907-C-T. GRCh37 (hg19) VCF-style: chr14-91806251-C-T.
Other names: short protein forms D201N.
Identifiers: ClinVar variation 2155992 (VCV002155992.2), dbSNP rs371069846, ClinGen allele CA7310195.

ClinVar aggregate classification (germline): Uncertain significance (1 of 4 stars; one submission).

Allele frequency attached by ClinVar (database versions not stated): 1000 Genomes Project 30x 0.00016; 1000 Genomes Project 0.00020.
gnomAD v4.1: 49 of 1,591,206 alleles (0.0031%); highest among the groups gnomAD compares: Middle Eastern, 0.018%; no homozygotes.

Submission:

Labcorp Genetics (formerly Invitae), Labcorp
Classification: Uncertain significance. Last evaluated: 2024-10-25. Review status: criteria provided, single submitter. Criteria: Invitae Variant Classification Sherloc (09022015). Collection method: clinical testing. Allele origin: germline.
Comment: This sequence change replaces aspartic acid, which is acidic and polar, with asparagine, which is neutral and polar, at codon 201 of the CCDC88C protein (p.Asp201Asn). This variant is present in population databases (rs371069846, gnomAD 0.02%). This variant has not been reported in the literature in individuals affected with CCDC88C-related conditions. ClinVar contains an entry for this variant (Variation ID: 2155992). An algorithm developed to predict the effect of missense changes on protein structure and function (PolyPhen-2) suggests that this variant is likely to be disruptive. In summary, the available evidence is currently insufficient to determine the role of this variant in disease. Therefore, it has been classified as a Variant of Uncertain Significance.